The following is an entry in ClinVar:

NM_004984.4(KIF5A):c.1123A>G (p.Asn375Asp)

Gene: KIF5A (kinesin family member 5A; plus strand). Cytogenetic location: 12q13.3.
Variant type: single nucleotide variant.
Coding change: c.1123A>G on transcript NM_004984.4 (MANE Select); coding-DNA position 1123, A replaced by G.
Protein change: p.Asn375Asp; replaces asparagine 375 with aspartic acid.
Molecular consequence: missense variant.
Genome position (GRCh38, 1-based): chr12:57,569,992, A>G. VCF-style: chr12-57569992-A-G. GRCh37 (hg19) VCF-style: chr12-57963775-A-G.
Other names: c.856A>G, p.Asn286Asp (NM_001354705.2); short protein forms N286D, N375D.
Identifiers: ClinVar variation 1476202 (VCV001476202.8), dbSNP rs767095969, ClinGen allele CA6652772.

ClinVar aggregate classification (germline): Uncertain significance (1 of 4 stars; one submission).

Conditions:
Spastic paraplegia. Identifiers: MedGen C0037772, HP:0001258.

Allele frequency attached by ClinVar (database versions not stated): gnomAD exomes below 0.00001; ExAC 0.00001; gnomAD 0.00001; TOPMed 0.00002.
gnomAD v4.1: 6 of 1,613,142 alleles (0.00037%); highest among the groups gnomAD compares: African/African-American, 0.0013%; no homozygotes.

Submission:

Labcorp Genetics (formerly Invitae), Labcorp
Classification: Uncertain significance for Spastic paraplegia. Last evaluated: 2024-08-27. Review status: criteria provided, single submitter. Criteria: Invitae Variant Classification Sherloc (09022015). Collection method: clinical testing. Allele origin: germline.
Comment: This sequence change replaces asparagine, which is neutral and polar, with aspartic acid, which is acidic and polar, at codon 375 of the KIF5A protein (p.Asn375Asp). This variant is present in population databases (rs767095969, gnomAD 0.0009%). This variant has not been reported in the literature in individuals affected with KIF5A-related conditions. ClinVar contains an entry for this variant (Variation ID: 1476202). Invitae Evidence Modeling of protein sequence and biophysical properties (such as structural, functional, and spatial information, amino acid conservation, physicochemical variation, residue mobility, and thermodynamic stability) indicates that this missense variant is not expected to disrupt KIF5A protein function with a negative predictive value of 95%. In summary, the available evidence is currently insufficient to determine the role of this variant in disease. Therefore, it has been classified as a Variant of Uncertain Significance.